The following is an entry in ClinVar:

ClinVar aggregate classification (germline): Uncertain significance. Review status: criteria provided, multiple submitters, no conflicts (2 of 4 stars). 3 submissions from 3 submitters: Uncertain significance (2). 1 of the submissions does not count toward it. Last evaluated 2025-09-30.

Conditions:
Charcot-Marie-Tooth disease type 4. Also called: Charcot-Marie-Tooth disease, type IV; Charcot-Marie-Tooth, Type 4. Identifiers: Orphanet 64749, MedGen C4082197, MONDO:0018995.

Allele frequency attached by ClinVar (database versions not stated): TOPMed 0.00001; gnomAD exomes 0.00004 and 0.00009; gnomAD 0.00008; ExAC 0.00019.
gnomAD v4.1: 74 of 1,598,292 alleles (0.0046%); highest among the groups gnomAD compares: South Asian, 0.0057%; 1 homozygote.

Submissions (3):

Women's Health and Genetics/Laboratory Corporation of America, LabCorp
Classification: Uncertain significance. Last evaluated: 2025-09-30. Review status: criteria provided, single submitter. Criteria: LabCorp Variant Classification Summary - May 2015. Collection method: clinical testing. Allele origin: germline.
Comment: Variant summary: NDRG1 c.1051C>T (p.Arg351X) results in a premature termination codon in the last exon of the gene, therefore it is not expected to cause nonsense mediated decay (NMD), but is predicted to cause a truncation of the encoded protein, removing amino acids 351 to 394 (InterPro). The variant allele was found at a frequency of 9.2e-05 in 217764 control chromosomes in the gnomAD database, including 1 homozygote. This frequency is not significantly higher than estimated for disease-causing variants in NDRG1, allowing no conclusion about variant significance. To our knowledge, no occurrence of c.1051C>T in individuals affected with NDRG1-related conditions and no experimental evidence demonstrating its impact on protein function have been reported. ClinVar contains an entry for this variant (Variation ID: 240289). Based on the evidence outlined above, the variant was classified as uncertain significance.

Labcorp Genetics (formerly Invitae), Labcorp
Classification: Uncertain significance for Charcot-Marie-Tooth disease type 4. Last evaluated: 2022-07-26. Review status: criteria provided, single submitter. Criteria: Invitae Variant Classification Sherloc (09022015). Collection method: clinical testing. Allele origin: germline.
Comment: This sequence change creates a premature translational stop signal (p.Arg351*) in the NDRG1 gene. While this is not anticipated to result in nonsense mediated decay, it is expected to disrupt the last 44 amino acid(s) of the NDRG1 protein. This variant is present in population databases (rs765621411, gnomAD 0.07%), including at least one homozygous and/or hemizygous individual. This variant has not been reported in the literature in individuals affected with NDRG1-related conditions. ClinVar contains an entry for this variant (Variation ID: 240289). Experimental studies and prediction algorithms are not available or were not evaluated, and the functional significance of this variant is currently unknown. In summary, the available evidence is currently insufficient to determine the role of this variant in disease. Therefore, it has been classified as a Variant of Uncertain Significance.

Natera, Inc.
Classification: Uncertain significance for Charcot-Marie-Tooth disease type 4. Last evaluated: 2020-09-16. Review status: no assertion criteria provided. Collection method: clinical testing. Allele origin: germline. Not counted in ClinVar's aggregate classification.

NM_006096.4(NDRG1):c.1051C>T (p.Arg351Ter)

Gene: NDRG1 (N-myc downstream regulated 1; minus strand). Cytogenetic location: 8q24.22.
Variant type: single nucleotide variant.
Coding change: c.1051C>T on transcript NM_006096.4 (MANE Select); coding-DNA position 1051, C replaced by T.
Protein change: p.Arg351Ter; replaces arginine 351 with a stop codon.
Molecular consequence: nonsense.
Genome position (GRCh38, 1-based): chr8:133,239,012, G>A on the plus strand (C>T on the coding strand, the complement: NDRG1 is on the minus strand). VCF-style: chr8-133239012-G-A. GRCh37 (hg19) VCF-style: chr8-134251255-G-A.
Other names: c.1051C>T, p.Arg351Ter (NM_001135242.2, NM_001374845.1, NM_001374846.1); c.853C>T, p.Arg285Ter (NM_001258432.2, NM_001374847.1); c.808C>T, p.Arg270Ter (NM_001258433.2); c.1102C>T, p.Arg368Ter (NM_001374844.1); short protein forms R351*, R270*, R285*, R368*.
Identifiers: ClinVar variation 240289 (VCV000240289.8), dbSNP rs765621411, ClinGen allele CA4886439.